The following is an entry in ClinVar:

ClinVar aggregate classification (germline): Likely pathogenic. Review status: reviewed by expert panel (3 of 4 stars). 2 submissions from 2 submitters: Likely pathogenic (1). 1 of the submissions does not count toward it. Last evaluated 2023-04-05.

Conditions:
PALB2-related cancer predisposition. Identifiers: MedGen CN377761, MONDO:0700272.
Hereditary cancer-predisposing syndrome. Also called: Tumor predisposition; Hereditary neoplastic syndrome; Neoplastic Syndromes, Hereditary; Hereditary Cancer Syndrome. Identifiers: Orphanet 140162, MedGen C0027672, MeSH D009386, MONDO:0015356.

Submissions (2):

ClinGen Hereditary Breast, Ovarian and Pancreatic Cancer Variant Curation Expert Panel, ClinGen
Classification: Likely pathogenic for PALB2-related cancer predisposition. Last evaluated: 2023-04-05. Review status: reviewed by expert panel. Criteria: ClinGen HBOP VCEP ACMG Specifications PALB2 V1.0.0. Collection method: curation. Allele origin: germline. Inheritance: Autosomal dominant inheritance.
Comment: The c.108+1_108+2insC variant in PALB2 occurs within the canonical splice donor site (+/- 1,2) of intron 2. It is predicted to cause skipping of biologically-relevant-exon 2, resulting in an in-frame deletion (removes amino acids 17-36) that is predicted to escape nonsense mediated decay but is predicted to adversely disrupt the coiled-coiled domain. This variant is absent from gnomAD v2.1.1. In summary, this variant meets the criteria to be classified as likely pathogenic for autosomal dominant hereditary breast and pancreatic cancer and autosomal recessive FANCN based on the ACMG/AMP criteria applied, as specified by the HBOP VCEP. (PVS1, PM2_supporting)

Ambry Genetics
Classification: Likely pathogenic for Hereditary cancer-predisposing syndrome. Last evaluated: 2019-02-21. Review status: criteria provided, single submitter. Criteria: Ambry Variant Classification Scheme 2023. Collection method: clinical testing. Allele origin: germline. Not counted in ClinVar's aggregate classification.
Comment: The c.108+1_108+2insC intronic variant, results from an insertion of one nucleotide after nucleotide position c.108+1 in intron 2 of the PALB2 gene. This nucleotide position is highly conserved in available vertebrate species. Using the BDGP and ESEfinder splice site prediction tools, this alteration is predicted to abolish the native splice donor site; however, direct evidence is unavailable. Alterations that disrupt the canonical splice site are expected to cause aberrant splicing, resulting in an abnormal protein or a transcript that is subject to nonsense-mediated mRNA decay. As such, this alteration is classified as likely pathogenic.

NM_024675.4(PALB2):c.108+1_108+2insC

Gene: PALB2 (partner and localizer of BRCA2; minus strand). Cytogenetic location: 16p12.2.
Variant type: Insertion.
Coding change: c.108+1_108+2insC on transcript NM_024675.4 (MANE Select); the canonical splice donor site of the intron after coding-DNA position 108, C inserted.
Molecular consequence: splice donor variant.
Genome position: GRCh38 VCF-style: chr16-23638068-A-AG. GRCh37 (hg19) VCF-style: chr16-23649389-A-AG.
Identifiers: ClinVar variation 818335 (VCV000818335.6), dbSNP rs1597101776, ClinGen allele CA915949143.
Genomic context (GRCh38, chr16:23,638,068, plus strand): 5'-CAAGAACTGTTTTTAAATTGTTTGTACTATAACACCTTAATTTGAGAATACGATTCACTT[A>AG]CCTGAAGGCGGGCTAGTGTCTTGCTGTATTCCCTTTTCAAGAATGCTAATTTCTCCTTTA-3'